The following is an entry in ClinVar:

NM_001131016.2(CIZ1):c.986G>A (p.Arg329Gln)

Gene: CIZ1 (CDKN1A interacting zinc finger protein 1; minus strand). Cytogenetic location: 9q34.11.
Variant type: single nucleotide variant.
Coding change: c.986G>A on transcript NM_001131016.2 (MANE Select); coding-DNA position 986, G replaced by A.
Protein change: p.Arg329Gln; replaces arginine 329 with glutamine.
Molecular consequence: missense variant.
Genome position (GRCh38, 1-based): chr9:128,179,221, C>T on the plus strand (G>A on the coding strand, the complement: CIZ1 is on the minus strand). VCF-style: chr9-128179221-C-T. GRCh37 (hg19) VCF-style: chr9-130941500-C-T.
Other names: c.986G>A, p.Arg329Gln (NM_001131015.2, NM_012127.3); c.971G>A, p.Arg324Gln (NM_001131017.2); c.914G>A, p.Arg305Gln (NM_001131018.2); c.1076G>A, p.Arg359Gln (NM_001257975.2); c.683G>A, p.Arg228Gln (NM_001257976.2); c.986G>A (NM_012127.2); short protein forms R324Q, R329Q, R359Q, R228Q, R305Q.
Identifiers: ClinVar variation 2714874 (VCV002714874.4), dbSNP rs772073388, ClinGen allele CA5257394.

ClinVar aggregate classification (germline): Conflicting classifications of pathogenicity. Review status: criteria provided, conflicting classifications (1 of 4 stars). 2 submissions from 2 submitters: Uncertain significance (1); Likely benign (1). Last evaluated 2025-04-12.

Conditions:
Dystonic disorder. Also called: Dystonia. Identifiers: MedGen C0013421, MONDO:0003441, HP:0001332.

Allele frequency attached by ClinVar (database versions not stated): TOPMed 0.00001; ExAC 0.00002; gnomAD exomes 0.00002.
gnomAD v4.1: 30 of 1,614,056 alleles (0.0019%); highest among the groups gnomAD compares: Admixed American, 0.0083%; no homozygotes.

Submissions (2):

Ambry Genetics
Classification: Likely benign. Last evaluated: 2025-04-12. Review status: criteria provided, single submitter. Criteria: Ambry Variant Classification Scheme 2023. Collection method: clinical testing. Allele origin: germline.

Labcorp Genetics (formerly Invitae), Labcorp
Classification: Uncertain significance for Dystonic disorder. Last evaluated: 2024-05-15. Review status: criteria provided, single submitter. Criteria: Invitae Variant Classification Sherloc (09022015). Collection method: clinical testing. Allele origin: germline.
Comment: This sequence change replaces arginine, which is basic and polar, with glutamine, which is neutral and polar, at codon 329 of the CIZ1 protein (p.Arg329Gln). This variant is present in population databases (rs772073388, gnomAD 0.01%). This variant has not been reported in the literature in individuals affected with CIZ1-related conditions. Algorithms developed to predict the effect of missense changes on protein structure and function output the following: SIFT: "Not Available"; PolyPhen-2: "Benign"; Align-GVGD: "Not Available". The glutamine amino acid residue is found in multiple mammalian species, which suggests that this missense change does not adversely affect protein function. In summary, the available evidence is currently insufficient to determine the role of this variant in disease. Therefore, it has been classified as a Variant of Uncertain Significance.